The following is an entry in ClinVar:

NM_058216.3(RAD51C):c.20G>T (p.Arg7Leu)

Gene: RAD51C (RAD51 paralog C; plus strand). Cytogenetic location: 17q22.
Variant type: single nucleotide variant.
Coding change: c.20G>T on transcript NM_058216.3 (MANE Select); coding-DNA position 20, G replaced by T.
Protein change: p.Arg7Leu; replaces arginine 7 with leucine.
Molecular consequence: missense variant. On other transcripts: non-coding transcript variant (2).
Genome position (GRCh38, 1-based): chr17:58,692,663, G>T. VCF-style: chr17-58692663-G-T. GRCh37 (hg19) VCF-style: chr17-56770024-G-T.
Other names: c.20G>T, p.Arg7Leu (NM_002876.4); short protein forms R7L.
Identifiers: ClinVar variation 841553 (VCV000841553.9), dbSNP rs892567748, ClinGen allele CA400336251.

ClinVar aggregate classification (germline): Uncertain significance (1 of 4 stars; one submission).

Conditions:
Fanconi anemia complementation group O. Also called: RAD51C-Related Fanconi Anemia. Identifiers: Orphanet 84, MedGen C3150653, MONDO:0013248, OMIM 613390.

Submission:

Labcorp Genetics (formerly Invitae), Labcorp
Classification: Uncertain significance for Fanconi anemia complementation group O. Last evaluated: 2025-12-08. Review status: criteria provided, single submitter. Criteria: Invitae Variant Classification Sherloc (09022015). Collection method: clinical testing. Allele origin: germline.
Comment: This sequence change replaces arginine, which is basic and polar, with leucine, which is neutral and non-polar, at codon 7 of the RAD51C protein (p.Arg7Leu). This variant is not present in population databases (gnomAD no frequency). This variant has not been reported in the literature in individuals affected with RAD51C-related conditions. ClinVar contains an entry for this variant (Variation ID: 841553). An algorithm developed to predict the effect of missense changes on protein structure and function (PolyPhen-2) suggests that this variant is likely to be tolerated. In summary, the available evidence is currently insufficient to determine the role of this variant in disease. Therefore, it has been classified as a Variant of Uncertain Significance.